The following is an entry in ClinVar:

ClinVar aggregate classification (germline): Uncertain significance (1 of 4 stars; one submission).

Conditions:
Long QT syndrome (LQTS). Identifiers: MedGen C0023976, MeSH D008133, MONDO:0002442. Disease mechanism: loss of function. Inheritance: Various modes of inheritance.

Submission:

Labcorp Genetics (formerly Invitae), Labcorp
Classification: Uncertain significance for Long QT syndrome. Last evaluated: 2020-01-11. Review status: criteria provided, single submitter. Criteria: Invitae Variant Classification Sherloc (09022015). Collection method: clinical testing. Allele origin: germline.
Comment: In summary, the available evidence is currently insufficient to determine the role of this variant in disease. Therefore, it has been classified as a Variant of Uncertain Significance. Algorithms developed to predict the effect of missense changes on protein structure and function are either unavailable or do not agree on the potential impact of this missense change (SIFT: "Deleterious"; PolyPhen-2: "Benign"; Align-GVGD: "Class C0"). This variant has not been reported in the literature in individuals with CACNA1C-related conditions. This variant is not present in population databases (ExAC no frequency). This sequence change replaces aspartic acid with asparagine at codon 1693 of the CACNA1C protein (p.Asp1693Asn). The aspartic acid residue is moderately conserved and there is a small physicochemical difference between aspartic acid and asparagine.

NM_000719.7(CACNA1C):c.5077G>A (p.Asp1693Asn)

Genes: CACNA1C (calcium voltage-gated channel subunit alpha1 C; plus strand), CACNA1C-AS1 (CACNA1C antisense RNA 1; minus strand). Cytogenetic location: 12p13.33.
Variant type: single nucleotide variant.
Coding change: c.5077G>A on transcript NM_000719.7 (MANE Select); coding-DNA position 5077, G replaced by A.
Protein change: p.Asp1693Asn; replaces aspartic acid 1693 with asparagine.
Molecular consequence: missense variant. On other transcripts: non-coding transcript variant (1).
Genome position (GRCh38, 1-based): chr12:2,677,853, G>A. VCF-style: chr12-2677853-G-A. GRCh37 (hg19) VCF-style: chr12-2787019-G-A.
Other names: c.5221G>A, p.Asp1741Asn (NM_001129827.2, NM_199460.4); c.5200G>A, p.Asp1734Asn (NM_001129829.2); c.5077G>A, p.Asp1693Asn (NM_001129830.3, NM_001129840.2, NM_001129841.2 and 4 more transcripts); c.5161G>A, p.Asp1721Asn (NM_001129831.2); c.5137G>A, p.Asp1713Asn (NM_001129832.2); c.5134G>A, p.Asp1712Asn (NM_001129833.2, NM_001129834.2, NM_001129835.2); c.5128G>A, p.Asp1710Asn (NM_001129836.2); c.5101G>A, p.Asp1701Asn (NM_001129837.2, NM_001129838.2); and 3 more; short protein forms D1682N, D1690N, D1693N, D1699N, D1701N, D1710N, D1712N, D1713N.
Identifiers: ClinVar variation 1002803 (VCV001002803.10), dbSNP rs2096900883, ClinGen allele CA383378433.